The following is an entry in ClinVar:

ClinVar aggregate classification (germline): Uncertain significance. Review status: criteria provided, multiple submitters, no conflicts (2 of 4 stars). 5 submissions from 5 submitters: Uncertain significance (5). Last evaluated 2026-04-03.

Conditions:
Inborn genetic diseases. Identifiers: MedGen C0950123, MeSH D030342.
Nephronophthisis 9 (NPHP9). Identifiers: Orphanet 655, MedGen C3151188, MONDO:0013444, OMIM 613824.
Renal-hepatic-pancreatic dysplasia 2 (RHPD2). Identifiers: MedGen C3809434, MONDO:0014174, OMIM 615415.
Polycystic kidney disease 8. Identifiers: MedGen C5935640, MONDO:0971178, OMIM 620903.

Allele frequency attached by ClinVar (database versions not stated): ExAC 0.00003; gnomAD exomes 0.00005 and 0.00003; gnomAD 0.00006 and 0.00005; ESP Exome Variant Server 0.00008; TOPMed 0.00009.
gnomAD v4.1: 78 of 1,614,040 alleles (0.0048%); highest among the groups gnomAD compares: Non-Finnish European, 0.0058%; no homozygotes.

Submissions (5):

Foundation for Research in Genetics and Endocrinology, FRIGE's Institute of Human Genetics
Classification: Uncertain significance for Polycystic kidney disease 8. Last evaluated: 2026-04-03. Review status: criteria provided, single submitter. Criteria: ACMG Guidelines, 2015. Collection method: clinical testing. Allele origin: germline. Inheritance: Autosomal dominant inheritance. Affected: yes. Observed: 1 variant allele, 1 heterozygote.
Comment: A heterozygous missense variant in exon 9 of the NEK8 gene that results in the amino acid substitution of Serine for Glycine at codon 418 (p.Gly418Ser) was detected. The observed variant has not been reported in the 1000 genomes databases and has a minor allele frequency of 0.0053%, 0.0032% and 0.0091% in the gnomAD (v3.1), gnomAD (v2.1) and topmed databases respectively. The in silico predictions of the variant are probably damaging by PolyPhen-2 and damaging by SIFT, LRT, CONDEL, FATHMM and MetaSVM. The reference codon is conserved across species. In summary, the variant meets our criteria to be classified as variant of uncertain significance.

Labcorp Genetics (formerly Invitae), Labcorp
Classification: Uncertain significance for Nephronophthisis 9. Last evaluated: 2025-12-31. Review status: criteria provided, single submitter. Criteria: Invitae Variant Classification Sherloc (09022015). Collection method: clinical testing. Allele origin: germline.
Comment: This sequence change replaces glycine, which is neutral and non-polar, with serine, which is neutral and polar, at codon 418 of the NEK8 protein (p.Gly418Ser). This variant is present in population databases (rs144859767, gnomAD 0.004%). This variant has not been reported in the literature in individuals affected with NEK8-related conditions. ClinVar contains an entry for this variant (Variation ID: 892447). An algorithm developed to predict the effect of missense changes on protein structure and function (PolyPhen-2) suggests that this variant is likely to be disruptive. In summary, the available evidence is currently insufficient to determine the role of this variant in disease. Therefore, it has been classified as a Variant of Uncertain Significance.

Ambry Genetics
Classification: Uncertain significance for Inborn genetic diseases. Last evaluated: 2023-03-23. Review status: criteria provided, single submitter. Criteria: Ambry Variant Classification Scheme 2023. Collection method: clinical testing. Allele origin: germline.

Fulgent Genetics
Classification: Uncertain significance for Nephronophthisis 9; Renal-hepatic-pancreatic dysplasia 2. Last evaluated: 2022-02-05. Review status: criteria provided, single submitter. Criteria: ACMG Guidelines, 2015. Collection method: clinical testing. Allele origin: unknown.

Illumina Laboratory Services, Illumina
Classification: Uncertain significance for Nephronophthisis 9. Last evaluated: 2018-01-12. Review status: criteria provided, single submitter. Criteria: ICSL Variant Classification Criteria 13 December 2019. Collection method: clinical testing. Allele origin: germline.

NM_178170.3(NEK8):c.1252G>A (p.Gly418Ser)

Gene: NEK8 (NIMA related kinase 8; plus strand). Cytogenetic location: 17q11.2.
Variant type: single nucleotide variant.
Coding change: c.1252G>A on transcript NM_178170.3 (MANE Select); coding-DNA position 1252, G replaced by A.
Protein change: p.Gly418Ser; replaces glycine 418 with serine.
Molecular consequence: missense variant.
Genome position (GRCh38, 1-based): chr17:28,738,700, G>A. VCF-style: chr17-28738700-G-A. GRCh37 (hg19) VCF-style: chr17-27065718-G-A.
Other names: p.Gly418Ser; short protein forms G418S.
Identifiers: ClinVar variation 892447 (VCV000892447.9), dbSNP rs144859767, ClinGen allele CA8467367.